The following is an entry in ClinVar:

NM_144999.4(LRRC45):c.1383G>A (p.Ala461=)

Gene: LRRC45 (leucine rich repeat containing 45; plus strand). Cytogenetic location: 17q25.3.
Variant type: single nucleotide variant.
Coding change: c.1383G>A on transcript NM_144999.4 (MANE Select); coding-DNA position 1383, G replaced by A.
Protein change: p.Ala461=; no amino-acid change (alanine 461 retained).
Molecular consequence: synonymous variant.
Genome position (GRCh38, 1-based): chr17:82,029,167, G>A. VCF-style: chr17-82029167-G-A. GRCh37 (hg19) VCF-style: chr17-79987043-G-A.
Identifiers: ClinVar variation 4980431 (VCV004980431.1).

ClinVar aggregate classification (germline): Likely benign (1 of 4 stars; one submission).

Conditions:
LRRC45-related disorder. Also called: LRRC45-related condition.

Submission:

PreventionGenetics, part of Exact Sciences
Classification: Likely benign for LRRC45-related condition. Last evaluated: 2025-01-19. Review status: criteria provided, single submitter. Criteria: ACMG Guidelines, 2015. Collection method: clinical testing. Allele origin: germline.
Comment: This variant is classified as likely benign based on ACMG/AMP sequence variant interpretation guidelines (Richards et al. 2015 PMID: 25741868, with internal and published modifications).